The following is an entry in ClinVar:

NM_021939.4(FKBP10):c.497A>G (p.His166Arg)

Gene: FKBP10 (FKBP prolyl isomerase 10; plus strand). Cytogenetic location: 17q21.2.
Variant type: single nucleotide variant.
Coding change: c.497A>G on transcript NM_021939.4 (MANE Select); coding-DNA position 497, A replaced by G.
Protein change: p.His166Arg; replaces histidine 166 with arginine.
Molecular consequence: missense variant.
Genome position (GRCh38, 1-based): chr17:41,818,194, A>G. VCF-style: chr17-41818194-A-G. GRCh37 (hg19) VCF-style: chr17-39974446-A-G.
Other names: short protein forms H166R.
Identifiers: ClinVar variation 2099539 (VCV002099539.4), dbSNP rs2544432767, ClinGen allele CA399514564.

ClinVar aggregate classification (germline): Uncertain significance (1 of 4 stars; one submission).

Submission:

Labcorp Genetics (formerly Invitae), Labcorp
Classification: Uncertain significance. Last evaluated: 2022-11-15. Review status: criteria provided, single submitter. Criteria: Invitae Variant Classification Sherloc (09022015). Collection method: clinical testing. Allele origin: germline.
Comment: In summary, the available evidence is currently insufficient to determine the role of this variant in disease. Therefore, it has been classified as a Variant of Uncertain Significance. Advanced modeling of protein sequence and biophysical properties (such as structural, functional, and spatial information, amino acid conservation, physicochemical variation, residue mobility, and thermodynamic stability) performed at Invitae indicates that this missense variant is not expected to disrupt FKBP10 protein function. This variant has not been reported in the literature in individuals affected with FKBP10-related conditions. This variant is not present in population databases (gnomAD no frequency). This sequence change replaces histidine, which is basic and polar, with arginine, which is basic and polar, at codon 166 of the FKBP10 protein (p.His166Arg).